The following is an entry in ClinVar:

NM_004329.3(BMPR1A):c.430+5G>A

Gene: BMPR1A (bone morphogenetic protein receptor type 1A; plus strand). Cytogenetic location: 10q23.2.
Variant type: single nucleotide variant.
Coding change: c.430+5G>A on transcript NM_004329.3 (MANE Select); 5 bases into the intron after coding-DNA position 430, G replaced by A.
Molecular consequence: intron variant.
Genome position (GRCh38, 1-based): chr10:86,899,895, G>A. VCF-style: chr10-86899895-G-A. GRCh37 (hg19) VCF-style: chr10-88659652-G-A.
Identifiers: ClinVar variation 1171427 (VCV001171427.12), dbSNP rs2133454975, ClinGen allele CA2499220423.

ClinVar aggregate classification (germline): Uncertain significance. Review status: criteria provided, multiple submitters, no conflicts (2 of 4 stars). 3 submissions from 3 submitters: Uncertain significance (3). Last evaluated 2025-08-08.

Conditions:
Juvenile polyposis syndrome (JPS). Identifiers: Orphanet 2929, MedGen C0345893, MONDO:0017380, OMIM 174900.
Hereditary cancer-predisposing syndrome. Also called: Hereditary neoplastic syndrome; Neoplastic Syndromes, Hereditary; Hereditary Cancer Syndrome; Tumor predisposition. Identifiers: Orphanet 140162, MedGen C0027672, MeSH D009386, MONDO:0015356.

Submissions (4):

Ambry Genetics
Classification: Uncertain significance for Hereditary cancer-predisposing syndrome. Last evaluated: 2025-08-08. Review status: criteria provided, single submitter. Criteria: Ambry Variant Classification Scheme 2023. Collection method: clinical testing. Allele origin: germline.
Comment: The c.430+5G>A intronic variant results from a G to A substitution 5 nucleotides after coding exon 4 in the BMPR1A gene. This nucleotide position is highly conserved in available vertebrate species. In silico splice site analysis predicts that this alteration will weaken the native splice donor site. Based on the available evidence, the clinical significance of this variant remains unclear.

Labcorp Genetics (formerly Invitae), Labcorp
Classification: Uncertain significance for Juvenile polyposis syndrome. Last evaluated: 2020-10-29. Review status: criteria provided, single submitter. Criteria: Invitae Variant Classification Sherloc (09022015). Collection method: clinical testing. Allele origin: germline.
Comment: In summary, the available evidence is currently insufficient to determine the role of this variant in disease. Therefore, it has been classified as a Variant of Uncertain Significance. Nucleotide substitutions within the consensus splice site are a relatively common cause of aberrant splicing (PMID: 17576681, 9536098). Algorithms developed to predict the effect of sequence changes on RNA splicing suggest that this variant may disrupt the consensus splice site, but this prediction has not been confirmed by published transcriptional studies. This variant has not been reported in the literature in individuals with BMPR1A-related conditions. This variant is not present in population databases (ExAC no frequency). This sequence change falls in intron 6 of the BMPR1A gene. It does not directly change the encoded amino acid sequence of the BMPR1A protein. It affects a nucleotide within the consensus splice site of the intron.

Color Diagnostics, LLC DBA Color Health
Classification: Uncertain significance for Hereditary cancer-predisposing syndrome. Last evaluated: 2020-05-11. Review status: criteria provided, single submitter. Criteria: ACMG Guidelines, 2015. Collection method: clinical testing. Allele origin: germline.
Comment: This variant causes a G to A nucleotide substitution at the +5 position of intron 6 of the BMPR1A gene. Splice site prediction tools predict that this variant may have a significant impact on RNA splicing. To our knowledge, functional studies have not been reported for this variant. This variant has not been reported in individuals affected with hereditary cancer in the literature. This variant has not been identified in the general population by the Genome Aggregation Database (gnomAD). The available evidence is insufficient to determine the role of this variant in disease conclusively. Therefore, this variant is classified as a Variant of Uncertain Significance.

Dr. Peter K. Rogan Lab, Western University
No classification provided (evidence only). Condition: Malignant tumor of esophagus. Review status: no classification provided. Collection method: in vitro. Allele origin: not applicable. Functional consequence: skipped exon, retained intron. Not counted in ClinVar's aggregate classification.

Literature cited by the submitters: PubMed 17576681 (cited by Labcorp Genetics (formerly Invitae), Labcorp); PubMed 9536098 (cited by Labcorp Genetics (formerly Invitae), Labcorp).